The following is an entry in ClinVar:

ClinVar aggregate classification (germline): Uncertain significance. Review status: criteria provided, multiple submitters, no conflicts (2 of 4 stars). 2 submissions from 2 submitters: Uncertain significance (2). Last evaluated 2023-07-05.

Conditions:
Severe combined immunodeficiency due to IKK2 deficiency. Also called: Immunodeficiency 15; IMMUNODEFICIENCY 15B. Identifiers: Orphanet 397787, MedGen C4747743, MONDO:0014267, OMIM 615592.
Immunodeficiency 15a. Identifiers: Orphanet 700205, MedGen C4748694, MONDO:0032599, OMIM 618204.

Allele frequency attached by ClinVar (database versions not stated): TOPMed below 0.00001; gnomAD exomes below 0.00001.
gnomAD v4.1: 3 of 1,614,166 alleles (0.00019%); highest among the groups gnomAD compares: Non-Finnish European, 0.00025%; no homozygotes.

Submissions (2):

Labcorp Genetics (formerly Invitae), Labcorp
Classification: Uncertain significance for Severe combined immunodeficiency due to IKK2 deficiency. Last evaluated: 2023-07-05. Review status: criteria provided, single submitter. Criteria: Invitae Variant Classification Sherloc (09022015). Collection method: clinical testing. Allele origin: germline.
Comment: In summary, the available evidence is currently insufficient to determine the role of this variant in disease. Therefore, it has been classified as a Variant of Uncertain Significance. Advanced modeling of protein sequence and biophysical properties (such as structural, functional, and spatial information, amino acid conservation, physicochemical variation, residue mobility, and thermodynamic stability) performed at Invitae indicates that this missense variant is not expected to disrupt IKBKB protein function. ClinVar contains an entry for this variant (Variation ID: 1351267). This variant has not been reported in the literature in individuals affected with IKBKB-related conditions. This variant is not present in population databases (gnomAD no frequency). This sequence change replaces methionine, which is neutral and non-polar, with threonine, which is neutral and polar, at codon 475 of the IKBKB protein (p.Met475Thr).

Neuberg Centre For Genomic Medicine, NCGM
Classification: Uncertain significance for Immunodeficiency 15a. Review status: criteria provided, single submitter. Criteria: ACMG Guidelines, 2015. Collection method: clinical testing. Allele origin: germline. Inheritance: Autosomal dominant inheritance. Affected: yes.
Comment: The observed missense variant c.1424T>Cp.Met475Thr in the IKBKB gene has not been reported previously as a pathogenic variant nor as a benign variant, to our knowledge. This variant is absent in the gnomAD Exomes. This variant has been reported to the ClinVar database as Uncertain Significance. However, no details are available for independent assessment. The amino acid Met at position 475 is changed to a Thr changing protein sequence and it might alter its composition and physico- chemical properties. Multiple lines of computational evidence Polyphen - Benign, SIFT - Tolerated and MutationTaster - Disease causing predict no damaging effect on protein structure and function for this variant. The residue is conserved by GERP++ and PhyloP across 100 vertebrates. For these reasons, this variant has been classified as Uncertain Significance.

NM_001556.3(IKBKB):c.1424T>C (p.Met475Thr)

Gene: IKBKB (inhibitor of nuclear factor kappa B kinase subunit beta; plus strand). Cytogenetic location: 8p11.21.
Variant type: single nucleotide variant.
Coding change: c.1424T>C on transcript NM_001556.3 (MANE Select); coding-DNA position 1424, T replaced by C.
Protein change: p.Met475Thr; replaces methionine 475 with threonine.
Molecular consequence: missense variant. On other transcripts: non-coding transcript variant (3).
Genome position (GRCh38, 1-based): chr8:42,319,329, T>C. VCF-style: chr8-42319329-T-C. GRCh37 (hg19) VCF-style: chr8-42176847-T-C.
Other names: c.1232T>C, p.Met411Thr (NM_001190720.3); c.1247T>C, p.Met416Thr (NM_001242778.2); short protein forms M416T, M411T, M475T.
Identifiers: ClinVar variation 1351267 (VCV001351267.9), dbSNP rs200031466, ClinGen allele CA175971347.